The following is an entry in ClinVar:

ClinVar aggregate classification (germline): Uncertain significance. Review status: criteria provided, multiple submitters, no conflicts (2 of 4 stars). 2 submissions from 2 submitters: Uncertain significance (2). Last evaluated 2025-05-09.

Conditions:
Tuberous sclerosis 2 (TSC2). Identifiers: Orphanet 805, MedGen C1860707, MONDO:0013199, OMIM 613254.
Hereditary cancer-predisposing syndrome. Also called: Hereditary neoplastic syndrome; Tumor predisposition; Hereditary Cancer Syndrome; Neoplastic Syndromes, Hereditary. Identifiers: Orphanet 140162, MedGen C0027672, MeSH D009386, MONDO:0015356.

gnomAD v4.1: 1 of 1,613,130 alleles (0.000062%); highest among the groups gnomAD compares: Admixed American, 0.0017%; no homozygotes.

Submissions (2):

Labcorp Genetics (formerly Invitae), Labcorp
Classification: Uncertain significance for Tuberous sclerosis 2. Last evaluated: 2025-05-09. Review status: criteria provided, single submitter. Criteria: Invitae Variant Classification Sherloc (09022015). Collection method: clinical testing. Allele origin: germline.
Comment: This sequence change replaces serine, which is neutral and polar, with phenylalanine, which is neutral and non-polar, at codon 970 of the TSC2 protein (p.Ser970Phe). This variant is not present in population databases (gnomAD no frequency). This variant has not been reported in the literature in individuals affected with TSC2-related conditions. ClinVar contains an entry for this variant (Variation ID: 1425523). Invitae Evidence Modeling of protein sequence and biophysical properties (such as structural, functional, and spatial information, amino acid conservation, physicochemical variation, residue mobility, and thermodynamic stability) indicates that this missense variant is not expected to disrupt TSC2 protein function with a negative predictive value of 95%. In summary, the available evidence is currently insufficient to determine the role of this variant in disease. Therefore, it has been classified as a Variant of Uncertain Significance.

Ambry Genetics
Classification: Uncertain significance for Hereditary cancer-predisposing syndrome. Last evaluated: 2020-09-22. Review status: criteria provided, single submitter. Criteria: Ambry Variant Classification Scheme 2023. Collection method: clinical testing. Allele origin: germline.
Comment: The p.S970F variant (also known as c.2909C>T), located in coding exon 25 of the TSC2 gene, results from a C to T substitution at nucleotide position 2909. The serine at codon 970 is replaced by phenylalanine, an amino acid with highly dissimilar properties. This amino acid position is not well conserved in available vertebrate species. In addition, the in silico prediction for this alteration is inconclusive. Since supporting evidence is limited at this time, the clinical significance of this alteration remains unclear.

NM_000548.5(TSC2):c.2909C>T (p.Ser970Phe)

Gene: TSC2 (TSC complex subunit 2; plus strand). Cytogenetic location: 16p13.3.
Variant type: single nucleotide variant.
Coding change: c.2909C>T on transcript NM_000548.5 (MANE Select); coding-DNA position 2909, C replaced by T.
Protein change: p.Ser970Phe; replaces serine 970 with phenylalanine.
Molecular consequence: missense variant. On other transcripts: intron variant (9).
Genome position (GRCh38, 1-based): chr16:2,077,669, C>T. VCF-style: chr16-2077669-C-T. GRCh37 (hg19) VCF-style: chr16-2127670-C-T.
Other names: c.2909C>T, p.Ser970Phe (NM_001114382.3); c.2837+1084C>T (NM_021055.3, NM_001370405.1, NM_001363528.2 and 2 more transcripts); c.2726+1084C>T (NM_001318827.2); c.2237+1084C>T (NM_001318831.2); c.2690+1084C>T (NM_001318829.2); c.2870+1084C>T (NM_001318832.2); short protein forms S970F.
Identifiers: ClinVar variation 1425523 (VCV001425523.10), dbSNP rs758447107, ClinGen allele CA394281243.